The following is an entry in ClinVar:

ClinVar aggregate classification (germline): Likely benign (0 of 4 stars; one submission).

Conditions:
TSPEAR-related disorder. Also called: TSPEAR-related condition.

gnomAD v4.1: 9 of 1,614,240 alleles (0.00056%); highest among the groups gnomAD compares: Admixed American, 0.0033%; no homozygotes.

Submission:

PreventionGenetics, part of Exact Sciences
Classification: Likely benign for TSPEAR-related condition. Last evaluated: 2019-07-02. Review status: no assertion criteria provided. Collection method: clinical testing. Allele origin: germline.
Comment: This variant is classified as likely benign based on ACMG/AMP sequence variant interpretation guidelines (Richards et al. 2015 PMID: 25741868, with internal and published modifications).

NM_144991.3(TSPEAR):c.1059C>T (p.Val353=)

Gene: TSPEAR (thrombospondin type laminin G domain and EAR repeats; minus strand). Cytogenetic location: 21q22.3.
Variant type: single nucleotide variant.
Coding change: c.1059C>T on transcript NM_144991.3 (MANE Select); coding-DNA position 1059, C replaced by T.
Protein change: p.Val353=; no amino-acid change (valine 353 retained).
Molecular consequence: synonymous variant.
Genome position (GRCh38, 1-based): chr21:44,527,382, G>A on the plus strand (C>T on the coding strand, the complement: TSPEAR is on the minus strand). VCF-style: chr21-44527382-G-A. GRCh37 (hg19) VCF-style: chr21-45947265-G-A.
Other names: c.855C>T, p.Val285= (NM_001272037.2).
Identifiers: ClinVar variation 3351803 (VCV003351803.1).